The following is an entry in ClinVar:

ClinVar aggregate classification (germline): Uncertain significance (1 of 4 stars; one submission).

gnomAD v4.1: 6 of 1,421,546 alleles (0.00042%); highest among the groups gnomAD compares: Non-Finnish European, 0.00059%; no homozygotes.

Submission:

Women's Health and Genetics/Laboratory Corporation of America, LabCorp
Classification: Uncertain significance. Last evaluated: 2024-11-29. Review status: criteria provided, single submitter. Criteria: LabCorp Variant Classification Summary - May 2015. Collection method: clinical testing. Allele origin: germline.
Comment: Variant summary: SOS2 c.3074T>A (p.Phe1025Tyr) results in a conservative amino acid change located in the Ras GEF domain (IPR023578) of the encoded protein sequence near the exon 19/intron 19 splice donor site. Four of five in-silico tools predict a benign effect of the variant on protein function. Consensus agreement among computation tools predict no significant impact on normal splicing. However, these predictions have yet to be confirmed by functional studies. The variant was absent in 245218 control chromosomes. The available data on variant occurrences in the general population are insufficient to allow any conclusion about variant significance. To our knowledge, no occurrence of c.3074T>A in individuals affected with Noonan Syndrome and no experimental evidence demonstrating its impact on protein function have been reported. No submitters have cited clinical-significance assessments for this variant to ClinVar. Based on the evidence outlined above, the variant was classified as uncertain significance.

NM_006939.4(SOS2):c.3074T>A (p.Phe1025Tyr)

Gene: SOS2 (SOS Ras/Rho guanine nucleotide exchange factor 2; minus strand). Cytogenetic location: 14q21.3.
Variant type: single nucleotide variant.
Coding change: c.3074T>A on transcript NM_006939.4 (MANE Select); coding-DNA position 3074, T replaced by A.
Protein change: p.Phe1025Tyr; replaces phenylalanine 1025 with tyrosine.
Molecular consequence: missense variant.
Genome position (GRCh38, 1-based): chr14:50,134,124, A>T on the plus strand (T>A on the coding strand, the complement: SOS2 is on the minus strand). VCF-style: chr14-50134124-A-T. GRCh37 (hg19) VCF-style: chr14-50600842-A-T.
Other names: c.2975T>A, p.Phe992Tyr (NM_001411020.1); short protein forms F1025Y, F992Y.
Identifiers: ClinVar variation 3629589 (VCV003629589.2).